The following is an entry in ClinVar:

ClinVar aggregate classification (germline): Pathogenic (1 of 4 stars; one submission).

Conditions:
Familial dysautonomia. Also called: HSAN III; FD. Identifiers: Orphanet 1764, MedGen C0013364, MONDO:0009131, OMIM 223900. Disease mechanism: loss of function.

Submission:

Myriad Genetics, Inc.
Classification: Pathogenic for Familial dysautonomia. Last evaluated: 2024-12-25. Review status: criteria provided, single submitter. Criteria: Myriad Autosomal Dominant, Autosomal Recessive and X-Linked Classification Criteria (2023). Collection method: clinical testing. Allele origin: unknown.
Comment: NM_003640.3(ELP1):c.2646_2661del16(H883Mfs*19) is expected to be pathogenic in the context of familial dysautonomia. This variant is predicted to lead to an abnormal or absent protein product due to the creation of a premature termination codon in ELP1, a gene where loss-of-function variants are known to be pathogenic. Please note: this variant was assessed in the context of healthy population screening.

NM_003640.5(ELP1):c.2646_2661del (p.His883fs)

Gene: ELP1 (elongator acetyltransferase complex subunit 1; minus strand). Cytogenetic location: 9q31.3.
Variant type: Deletion.
Coding change: c.2646_2661del on transcript NM_003640.5 (MANE Select); coding-DNA positions 2646 to 2661, 16 bases deleted (GCATCTGGTAGATGTT).
Protein change: p.His883fs; shifts the reading frame from histidine 883.
Molecular consequence: frameshift variant.
Genome position (GRCh38, 1-based): chr9:108,896,571-108,896,586, AACATCTACCAGATGC deleted on the plus strand (GCATCTGGTAGATGTT on the coding strand, the reverse complement: ELP1 is on the minus strand); deleting any 16 consecutive bases within chr9:108,896,571-108,896,587 gives the same sequence; the c. name uses the placement nearest the transcript's 3' end. VCF-style (leftmost placement, unchanged base first): chr9-108896570-TAACATCTACCAGATGC-T. GRCh37 (hg19) VCF-style: chr9-111658850-TAACATCTACCAGATGC-T.
Other names: c.2304_2319del, p.His769fs (NM_001318360.2); c.1599_1614del, p.His534fs (NM_001330749.2); short protein forms H534fs, H769fs, H883fs.
Identifiers: ClinVar variation 5013891 (VCV005013891.1).